The following is an entry in ClinVar:

ClinVar aggregate classification (germline): Uncertain significance (1 of 4 stars; one submission).

Conditions:
Hereditary cancer-predisposing syndrome. Also called: Hereditary Cancer Syndrome; Hereditary neoplastic syndrome; Tumor predisposition; Neoplastic Syndromes, Hereditary. Identifiers: Orphanet 140162, MedGen C0027672, MeSH D009386, MONDO:0015356.
Cardiovascular phenotype. Identifiers: MedGen CN230736.

Submission:

Ambry Genetics
Classification: Uncertain significance for Cardiovascular phenotype; Hereditary cancer-predisposing syndrome. Last evaluated: 2022-08-11. Review status: criteria provided, single submitter. Criteria: Ambry Variant Classification Scheme 2023. Collection method: clinical testing. Allele origin: germline.
Comment: The p.S825A variant (also known as c.2473T>G), located in coding exon 21 of the NF1 gene, results from a T to G substitution at nucleotide position 2473. The serine at codon 825 is replaced by alanine, an amino acid with similar properties. This amino acid position is conserved. In addition, this alteration is predicted to be tolerated by in silico analysis. Since supporting evidence is limited at this time, the clinical significance of this alteration remains unclear.

NM_001042492.3(NF1):c.2473T>G (p.Ser825Ala)

Gene: NF1 (neurofibromin 1; plus strand). Cytogenetic location: 17q11.2.
Variant type: single nucleotide variant.
Coding change: c.2473T>G on transcript NM_001042492.3 (MANE Select); coding-DNA position 2473, T replaced by G.
Protein change: p.Ser825Ala; replaces serine 825 with alanine.
Molecular consequence: missense variant.
Genome position (GRCh38, 1-based): chr17:31,229,088, T>G. VCF-style: chr17-31229088-T-G. GRCh37 (hg19) VCF-style: chr17-29556106-T-G.
Other names: c.2473T>G, p.Ser825Ala (NM_000267.4); short protein forms S825A.
Identifiers: ClinVar variation 1791814 (VCV001791814.2), dbSNP rs2151428933, ClinGen allele CA398984000.
Genomic context (GRCh38, chr17:31,229,088, plus strand): 5'-GCTGAAAGCCTTCACAAGACCATTGTTAAGAGGCGAATGTCCCATGTGAGTGGAGGAGGA[T>G]CCATAGATTTGTCTGACACAGACTCCCTACAGGAATGGATCAACATGACTGGCTTCCTTT-3'
Protein context (NP_001035957.1, residues 815-835): RRMSHVSGGG[Ser825Ala]IDLSDTDSLQ